The following is an entry in ClinVar:

NC_000007.13:g.(?_105172763)_(105189177_?)dup

Gene: RINT1 (RAD50 interactor 1; plus strand). Cytogenetic location: 7q22.3.
Variant type: Duplication.
Identifiers: ClinVar variation 2426692 (VCV002426692.3).

ClinVar aggregate classification (germline): Uncertain significance (1 of 4 stars; one submission).

Submission:

Labcorp Genetics (formerly Invitae), Labcorp
Classification: Uncertain significance. Last evaluated: 2022-08-05. Review status: criteria provided, single submitter. Criteria: Invitae Variant Classification Sherloc (09022015). Collection method: clinical testing. Allele origin: germline.
Comment: In summary, the available evidence is currently insufficient to determine the role of this variant in disease. Therefore, it has been classified as a Variant of Uncertain Significance. Experimental studies and prediction algorithms are not available or were not evaluated, and the functional significance of this variant is currently unknown. This variant has not been reported in the literature in individuals affected with RINT1-related conditions. This variant results in a copy number gain of the genomic region encompassing exon(s) 1-7 of the RINT1 gene. This region includes the initiator codon of the gene. This copy number gain extends beyond the assayed region for this gene and therefore may encompass additional genes. As the precise location of this event is unknown, it may be in tandem or it may be located elsewhere in the genome.